The following is an entry in ClinVar:

NM_001122752.2(SERPINI1):c.818C>T (p.Ala273Val)

Gene: SERPINI1 (serpin family I member 1; plus strand). Cytogenetic location: 3q26.1.
Variant type: single nucleotide variant.
Coding change: c.818C>T on transcript NM_001122752.2 (MANE Select); coding-DNA position 818, C replaced by T.
Protein change: p.Ala273Val; replaces alanine 273 with valine.
Molecular consequence: missense variant.
Genome position (GRCh38, 1-based): chr3:167,794,761, C>T. VCF-style: chr3-167794761-C-T. GRCh37 (hg19) VCF-style: chr3-167512549-C-T.
Other names: c.818C>T, p.Ala273Val (NM_005025.5); short protein forms A273V.
Identifiers: ClinVar variation 1391905 (VCV001391905.8), dbSNP rs2108559943, ClinGen allele CA355157204.
Genomic context (GRCh38, chr3:167,794,761, plus strand): 5'-TGATGCTGGTGCTGTCCAGACAGGAAGTTCCTCTTGCTACTCTGGAGCCATTAGTCAAAG[C>T]ACAGCTGGTTGAAGAATGGGCAAACTCTGTGAAGAAGCAAAAAGTAGAAGTATACCTGCC-3'
Protein context (NP_001116224.1, residues 263-283): PLATLEPLVK[Ala273Val]QLVEEWANSV

ClinVar aggregate classification (germline): Uncertain significance (1 of 4 stars; one submission).

Conditions:
Familial encephalopathy with neuroserpin inclusion bodies. Also called: ENCEPHALOPATHY, FAMILIAL, WITH COLLINS BODIES. Identifiers: Orphanet 85110, MedGen C1858680, MONDO:0011412, OMIM 604218.

Allele frequency attached by ClinVar (database versions not stated): gnomAD exomes below 0.00001.
gnomAD v4.1: 1 of 1,613,634 alleles (0.000062%); highest among the groups gnomAD compares: South Asian, 0.0011%; no homozygotes.

Submission:

Labcorp Genetics (formerly Invitae), Labcorp
Classification: Uncertain significance for Familial encephalopathy with neuroserpin inclusion bodies. Last evaluated: 2025-08-31. Review status: criteria provided, single submitter. Criteria: Invitae Variant Classification Sherloc (09022015). Collection method: clinical testing. Allele origin: germline.
Comment: This sequence change replaces alanine, which is neutral and non-polar, with valine, which is neutral and non-polar, at codon 273 of the SERPINI1 protein (p.Ala273Val). This variant is not present in population databases (gnomAD no frequency). This variant has not been reported in the literature in individuals affected with SERPINI1-related conditions. ClinVar contains an entry for this variant (Variation ID: 1391905). Invitae Evidence Modeling of protein sequence and biophysical properties (such as structural, functional, and spatial information, amino acid conservation, physicochemical variation, residue mobility, and thermodynamic stability) indicates that this missense variant is not expected to disrupt SERPINI1 protein function with a negative predictive value of 80%. In summary, the available evidence is currently insufficient to determine the role of this variant in disease. Therefore, it has been classified as a Variant of Uncertain Significance.